The following is an entry in ClinVar:

ClinVar aggregate classification (germline): Benign/Likely benign. Review status: criteria provided, multiple submitters, no conflicts (2 of 4 stars). 3 submissions from 3 submitters: Benign (1); Likely benign (2). Last evaluated 2026-07-28.

Conditions:
Hereditary cancer-predisposing syndrome. Also called: Hereditary Cancer Syndrome; Hereditary neoplastic syndrome; Neoplastic Syndromes, Hereditary; Tumor predisposition. Identifiers: Orphanet 140162, MedGen C0027672, MeSH D009386, MONDO:0015356.
Hereditary pheochromocytoma and paraganglioma. Also called: Hereditary paragangliomas and pheochromocytomas; Hereditary Paraganglioma-Pheochromocytoma Syndromes; Hereditary pheochromocytoma-paraganglioma. Identifiers: Orphanet 29072, MedGen C4274332, MONDO:0017366.

Allele frequency attached by ClinVar (database versions not stated): gnomAD exomes below 0.00001.
gnomAD v4.1: 1 of 1,523,786 alleles (0.000066%); highest among the groups gnomAD compares: East Asian, 0.0025%; no homozygotes.

Submissions (3):

Myriad Genetics, Inc.
Classification: Benign for Hereditary pheochromocytoma and paraganglioma. Last evaluated: 2026-07-28. Review status: criteria provided, single submitter. Criteria: Myriad Autosomal Dominant, Autosomal Recessive and X-Linked Classification Criteria (2023). Collection method: clinical testing. Allele origin: unknown.
Comment: This variant is considered benign. This variant is a silent/synonymous amino acid change and it is not expected to impact splicing.

Labcorp Genetics (formerly Invitae), Labcorp
Classification: Likely benign for Hereditary pheochromocytoma and paraganglioma. Last evaluated: 2025-12-03. Review status: criteria provided, single submitter. Criteria: Invitae Variant Classification Sherloc (09022015). Collection method: clinical testing. Allele origin: germline.

Ambry Genetics
Classification: Likely benign for Hereditary cancer-predisposing syndrome. Last evaluated: 2024-02-22. Review status: criteria provided, single submitter. Criteria: Ambry Variant Classification Scheme 2023. Collection method: clinical testing. Allele origin: germline.

NM_017849.4(TMEM127):c.57A>C (p.Gly19=)

Genes: TMEM127 (transmembrane protein 127; minus strand), LOC129934333 (ATAC-STARR-seq lymphoblastoid silent region 11759; plus strand). Cytogenetic location: 2q11.2.
Variant type: single nucleotide variant.
Coding change: c.57A>C on transcript NM_017849.4 (MANE Select); coding-DNA position 57, A replaced by C.
Protein change: p.Gly19=; no amino-acid change (glycine 19 retained).
Molecular consequence: synonymous variant.
Genome position (GRCh38, 1-based): chr2:96,265,325, T>G on the plus strand (A>C on the coding strand, the complement: TMEM127 is on the minus strand). VCF-style: chr2-96265325-T-G. GRCh37 (hg19) VCF-style: chr2-96931063-T-G.
Other names: c.57A>C, p.Gly19= (NM_001193304.3); c.57A>C (NM_017849.3).
Identifiers: ClinVar variation 1089620 (VCV001089620.12), dbSNP rs1269002433, ClinGen allele CA427496447.
Genomic context (GRCh38, chr2:96,265,325, plus strand): 5'-CAGGGCGCCAGGCAGGGCCGAGGCCAGGCTACGCTCCGGCTGCTTGGGCAGAGCGCTGCC[T>G]CCCGGGCTCCTCCGCCGGCGCCCGCCGGGCAGCCCTGCGCCTCCGGGGGCGTACATGCCC-3'
Protein context (NP_060319.1, residues 9-29): LPGGRRRRSP[Gly19=]GSALPKQPER